The following is an entry in ClinVar:

ClinVar aggregate classification (germline): Uncertain significance (1 of 4 stars; one submission).

Conditions:
Cenani-Lenz syndactyly syndrome. Also called: CENANI SYNDACTYLISM; SYNDACTYLY, TYPE VII. Identifiers: Orphanet 3258, MedGen C1859309, MONDO:0008931, OMIM 212780.
Sclerosteosis 2 (SOST2). Identifiers: Orphanet 3152, MedGen C3280402, MONDO:0013679, OMIM 614305.
Congenital myasthenic syndrome 17. Identifiers: Orphanet 590, MedGen C4225377, MONDO:0014578, OMIM 616304.

Allele frequency attached by ClinVar (database versions not stated): gnomAD exomes below 0.00001; TOPMed below 0.00001.
gnomAD v4.1: 7 of 1,614,228 alleles (0.00043%); highest among the groups gnomAD compares: Non-Finnish European, 0.00059%; no homozygotes.

Submission:

Labcorp Genetics (formerly Invitae), Labcorp
Classification: Uncertain significance for Cenani-Lenz syndactyly syndrome; Sclerosteosis 2; Congenital myasthenic syndrome 17. Last evaluated: 2022-06-05. Review status: criteria provided, single submitter. Criteria: Invitae Variant Classification Sherloc (09022015). Collection method: clinical testing. Allele origin: germline.
Comment: This sequence change replaces alanine, which is neutral and non-polar, with threonine, which is neutral and polar, at codon 971 of the LRP4 protein (p.Ala971Thr). In summary, the available evidence is currently insufficient to determine the role of this variant in disease. Therefore, it has been classified as a Variant of Uncertain Significance. Algorithms developed to predict the effect of missense changes on protein structure and function (SIFT, PolyPhen-2, Align-GVGD) all suggest that this variant is likely to be disruptive. This variant has not been reported in the literature in individuals affected with LRP4-related conditions. This variant is present in population databases (rs771933495, gnomAD 0.03%).

NM_002334.4(LRP4):c.2911G>A (p.Ala971Thr)

Gene: LRP4 (LDL receptor related protein 4; minus strand). Cytogenetic location: 11p11.2.
Variant type: single nucleotide variant.
Coding change: c.2911G>A on transcript NM_002334.4 (MANE Select); coding-DNA position 2911, G replaced by A.
Protein change: p.Ala971Thr; replaces alanine 971 with threonine.
Molecular consequence: missense variant.
Genome position (GRCh38, 1-based): chr11:46,879,219, C>T on the plus strand (G>A on the coding strand, the complement: LRP4 is on the minus strand). VCF-style: chr11-46879219-C-T. GRCh37 (hg19) VCF-style: chr11-46900770-C-T.
Other names: short protein forms A971T.
Identifiers: ClinVar variation 2418341 (VCV002418341.6), dbSNP rs771933495, ClinGen allele CA221630983.